The following is an entry in ClinVar:

ClinVar aggregate classification (germline): Uncertain significance (1 of 4 stars; one submission).

Submission:

Ambry Genetics
Classification: Uncertain significance. Last evaluated: 2021-06-15. Review status: criteria provided, single submitter. Criteria: Ambry Variant Classification Scheme 2023. Collection method: clinical testing. Allele origin: germline.
Comment: The p.H2344N variant (also known as c.7030C>A), located in coding exon 25 of the POLQ gene, results from a C to A substitution at nucleotide position 7030. The histidine at codon 2344 is replaced by asparagine, an amino acid with similar properties. This amino acid position is conserved. In addition, this alteration is predicted to be tolerated by in silico analysis. Since supporting evidence is limited at this time, the clinical significance of this alteration remains unclear.

NM_199420.4(POLQ):c.7030C>A (p.His2344Asn)

Gene: POLQ (DNA polymerase theta; minus strand). Cytogenetic location: 3q13.33.
Variant type: single nucleotide variant.
Coding change: c.7030C>A on transcript NM_199420.4 (MANE Select); coding-DNA position 7030, C replaced by A.
Protein change: p.His2344Asn; replaces histidine 2344 with asparagine.
Molecular consequence: missense variant.
Genome position (GRCh38, 1-based): chr3:121,460,172, G>T on the plus strand (C>A on the coding strand, the complement: POLQ is on the minus strand). VCF-style: chr3-121460172-G-T. GRCh37 (hg19) VCF-style: chr3-121179019-G-T.
Other names: short protein forms H2344N.
Identifiers: ClinVar variation 1756794 (VCV001756794.2), dbSNP rs1466459909, ClinGen allele CA354107496.
Genomic context (GRCh38, chr3:121,460,172, plus strand): 5'-CTGCAATGCTCCTGAAAACATCAGCTCCAGTGTTTAACACTTGAATGAGACGACGATCAT[G>T]GGATAAATGAGCCAAGATCCTCAGTTCAAGCTGAGAGTAGTCAGCAGCCAGTATTGAACC-3'
Protein context (NP_955452.3, residues 2334-2354): LELRILAHLS[His2344Asn]DRRLIQVLNT